The following is an entry in ClinVar:

ClinVar aggregate classification (germline): Uncertain significance (1 of 4 stars; one submission).

Conditions:
Hereditary cancer-predisposing syndrome. Also called: Tumor predisposition; Hereditary neoplastic syndrome; Neoplastic Syndromes, Hereditary; Hereditary Cancer Syndrome. Identifiers: Orphanet 140162, MedGen C0027672, MeSH D009386, MONDO:0015356.

gnomAD v4.1: 1 of 1,610,816 alleles (0.000062%); highest among the groups gnomAD compares: Non-Finnish European, 0.000085%; no homozygotes.

Submission:

Ambry Genetics
Classification: Uncertain significance for Hereditary cancer-predisposing syndrome. Last evaluated: 2025-04-04. Review status: criteria provided, single submitter. Criteria: Ambry Variant Classification Scheme 2023. Collection method: clinical testing. Allele origin: germline.
Comment: The p.W492R variant (also known as c.1474T>C), located in coding exon 16 of the CDC73 gene, results from a T to C substitution at nucleotide position 1474. The tryptophan at codon 492 is replaced by arginine, an amino acid with dissimilar properties. This amino acid position is conserved. In addition, this alteration is predicted to be deleterious by in silico analysis. Based on the available evidence, the clinical significance of this variant remains unclear.

NM_024529.5(CDC73):c.1474T>C (p.Trp492Arg)

Gene: CDC73 (cell division cycle 73; plus strand). Cytogenetic location: 1q31.2.
Variant type: single nucleotide variant.
Coding change: c.1474T>C on transcript NM_024529.5 (MANE Select); coding-DNA position 1474, T replaced by C.
Protein change: p.Trp492Arg; replaces tryptophan 492 with arginine.
Molecular consequence: missense variant.
Genome position (GRCh38, 1-based): chr1:193,249,786, T>C. VCF-style: chr1-193249786-T-C. GRCh37 (hg19) VCF-style: chr1-193218916-T-C.
Other names: short protein forms W492R.
Identifiers: ClinVar variation 3998669 (VCV003998669.1).